The following is an entry in ClinVar:

ClinVar aggregate classification (germline): Uncertain significance (1 of 4 stars; one submission).

Conditions:
SIN3A-related disorder. Also called: SIN3A-related condition.

Submission:

PreventionGenetics, part of Exact Sciences
Classification: Uncertain significance for SIN3A-related condition. Last evaluated: 2024-10-24. Review status: criteria provided, single submitter. Criteria: ACMG Guidelines, 2015. Collection method: clinical testing. Allele origin: germline.
Comment: The SIN3A c.152C>G variant is predicted to result in the amino acid substitution p.Ala51Gly. To our knowledge, this variant has not been reported in the literature or in a large population database (gnomAD), indicating this variant is rare. At this time, the clinical significance of this variant is uncertain due to the absence of conclusive functional and genetic evidence.

NM_001145358.2(SIN3A):c.152C>G (p.Ala51Gly)

Gene: SIN3A (SIN3 transcription regulator family member A; minus strand). Cytogenetic location: 15q24.2.
Variant type: single nucleotide variant.
Coding change: c.152C>G on transcript NM_001145358.2 (MANE Select); coding-DNA position 152, C replaced by G.
Protein change: p.Ala51Gly; replaces alanine 51 with glycine.
Molecular consequence: missense variant.
Genome position (GRCh38, 1-based): chr15:75,430,224, G>C on the plus strand (C>G on the coding strand, the complement: SIN3A is on the minus strand). VCF-style: chr15-75430224-G-C. GRCh37 (hg19) VCF-style: chr15-75722565-G-C.
Other names: c.152C>G, p.Ala51Gly (NM_001145357.2, NM_001437462.1, NM_001437463.1 and 1 more transcripts); short protein forms A51G.
Identifiers: ClinVar variation 5001306 (VCV005001306.1).